The following is an entry in ClinVar:

ClinVar aggregate classification (germline): Uncertain significance (1 of 4 stars; one submission).

Conditions:
Fanconi anemia complementation group O. Also called: RAD51C-Related Fanconi Anemia. Identifiers: Orphanet 84, MedGen C3150653, MONDO:0013248, OMIM 613390.

Submission:

Labcorp Genetics (formerly Invitae), Labcorp
Classification: Uncertain significance for Fanconi anemia complementation group O. Last evaluated: 2025-03-12. Review status: criteria provided, single submitter. Criteria: Invitae Variant Classification Sherloc (09022015). Collection method: clinical testing. Allele origin: germline.
Comment: This sequence change replaces tyrosine, which is neutral and polar, with histidine, which is basic and polar, at codon 216 of the RAD51C protein (p.Tyr216His). This variant is not present in population databases (gnomAD no frequency). This variant has not been reported in the literature in individuals affected with RAD51C-related conditions. Invitae Evidence Modeling of protein sequence and biophysical properties (such as structural, functional, and spatial information, amino acid conservation, physicochemical variation, residue mobility, and thermodynamic stability) indicates that this missense variant is not expected to disrupt RAD51C protein function with a negative predictive value of 80%. In summary, the available evidence is currently insufficient to determine the role of this variant in disease. Therefore, it has been classified as a Variant of Uncertain Significance.

NM_058216.3(RAD51C):c.646T>C (p.Tyr216His)

Genes: RAD51C (RAD51 paralog C; plus strand), LOC129390903 (MPRA-validated peak2919 silencer; plus strand). Cytogenetic location: 17q22.
Variant type: single nucleotide variant.
Coding change: c.646T>C on transcript NM_058216.3 (MANE Select); coding-DNA position 646, T replaced by C.
Protein change: p.Tyr216His; replaces tyrosine 216 with histidine.
Molecular consequence: missense variant. On other transcripts: non-coding transcript variant (1).
Genome position (GRCh38, 1-based): chr17:58,703,270, T>C. VCF-style: chr17-58703270-T-C. GRCh37 (hg19) VCF-style: chr17-56780631-T-C.
Other names: short protein forms Y216H.
Identifiers: ClinVar variation 4737536 (VCV004737536.1).
Genomic context (GRCh38, chr17:58,703,270, plus strand): 5'-TTGGAGGATTTCACTCTTGATAATATTCTTTCTCATATTTATTATTTTCGCTGTCGTGAC[T>C]ACACAGAGTTACTGGCACAAGTTTATCTTCTTCCAGATTTCCTTTCAGAACACTCAAAGG-3'
Protein context (NP_478123.1, residues 206-226): SHIYYFRCRD[Tyr216His]TELLAQVYLL